The following is an entry in ClinVar:

NM_000384.3(APOB):c.6046G>A (p.Asp2016Asn)

Gene: APOB (apolipoprotein B; minus strand). Cytogenetic location: 2p24.1.
Variant type: single nucleotide variant.
Coding change: c.6046G>A on transcript NM_000384.3 (MANE Select); coding-DNA position 6046, G replaced by A.
Protein change: p.Asp2016Asn; replaces aspartic acid 2016 with asparagine.
Molecular consequence: missense variant.
Genome position (GRCh38, 1-based): chr2:21,010,822, C>T on the plus strand (G>A on the coding strand, the complement: APOB is on the minus strand). VCF-style: chr2-21010822-C-T. GRCh37 (hg19) VCF-style: chr2-21233694-C-T.
Other names: short protein forms D2016N.
Identifiers: ClinVar variation 2940806 (VCV002940806.3), dbSNP rs755811872, ClinGen allele CA346003423.

ClinVar aggregate classification (germline): Uncertain significance (1 of 4 stars; one submission).

Conditions:
Familial hypobetalipoproteinemia 1. Also called: APOB-Related Familial Hypobetalipoproteinemia; Hypobetalipoproteinemia, normotriglyceridemic; Acanthocytosis with hypobetalipoproteinemia. Identifiers: MedGen C4551990, MONDO:0014252, OMIM 615558.
Hypercholesterolemia, autosomal dominant, type B (FHCL2). Also called: Familial Hypercholesterolemia Type B; APOLIPOPROTEIN B-100, FAMILIAL DEFECTIVE; APOLIPOPROTEIN B-100, FAMILIAL LIGAND-DEFECTIVE; HYPERCHOLESTEROLEMIA, FAMILIAL, DUE TO LIGAND-DEFECTIVE APOLIPOPROTEIN B; Hyperlipoproteinemia Type IIb; Familial hypercholesterolemia 2. Identifiers: MedGen C1704417, MONDO:0007751, OMIM 144010.

gnomAD v4.1: 1 of 1,614,102 alleles (0.000062%); highest among the groups gnomAD compares: East Asian, 0.0022%; no homozygotes.

Submission:

Labcorp Genetics (formerly Invitae), Labcorp
Classification: Uncertain significance for Familial hypobetalipoproteinemia 1; Hypercholesterolemia, autosomal dominant, type B. Last evaluated: 2023-07-12. Review status: criteria provided, single submitter. Criteria: Invitae Variant Classification Sherloc (09022015). Collection method: clinical testing. Allele origin: germline.
Comment: Advanced modeling of protein sequence and biophysical properties (such as structural, functional, and spatial information, amino acid conservation, physicochemical variation, residue mobility, and thermodynamic stability) performed at Invitae indicates that this missense variant is not expected to disrupt APOB protein function. In summary, the available evidence is currently insufficient to determine the role of this variant in disease. Therefore, it has been classified as a Variant of Uncertain Significance. This variant has not been reported in the literature in individuals affected with APOB-related conditions. This variant is present in population databases (no rsID available, gnomAD 0.007%). This sequence change replaces aspartic acid, which is acidic and polar, with asparagine, which is neutral and polar, at codon 2016 of the APOB protein (p.Asp2016Asn).